The following is an entry in ClinVar:

ClinVar aggregate classification (germline): Uncertain significance (1 of 4 stars; one submission).

Submission:

Ambry Genetics
Classification: Uncertain significance. Last evaluated: 2023-05-26. Review status: criteria provided, single submitter. Criteria: Ambry Variant Classification Scheme 2023. Collection method: clinical testing. Allele origin: germline.
Comment: The p.Q1086H variant (also known as c.3258A>C), located in coding exon 17 of the NPAT gene, results from an A to C substitution at nucleotide position 3258. The glutamine at codon 1086 is replaced by histidine, an amino acid with highly similar properties. This amino acid position is conserved. In addition, this alteration is predicted to be tolerated by in silico analysis. Since supporting evidence is limited at this time, the clinical significance of this alteration remains unclear.

NM_002519.3(NPAT):c.3258A>C (p.Gln1086His)

Gene: NPAT (nuclear protein, coactivator of histone transcription; minus strand). Cytogenetic location: 11q22.3.
Variant type: single nucleotide variant.
Coding change: c.3258A>C on transcript NM_002519.3 (MANE Select); coding-DNA position 3258, A replaced by C.
Protein change: p.Gln1086His; replaces glutamine 1086 with histidine.
Molecular consequence: missense variant.
Genome position (GRCh38, 1-based): chr11:108,161,828, T>G on the plus strand (A>C on the coding strand, the complement: NPAT is on the minus strand). VCF-style: chr11-108161828-T-G. GRCh37 (hg19) VCF-style: chr11-108032555-T-G.
Other names: c.3279A>C, p.Gln1093His (NM_001321307.1); short protein forms Q1086H, Q1093H.
Identifiers: ClinVar variation 2568018 (VCV002568018.2), dbSNP rs2496696777, ClinGen allele CA382511203.